The following is an entry in ClinVar:

NM_001367624.2(ZNF469):c.6500C>T (p.Ala2167Val)

Gene: ZNF469 (zinc finger protein 469; plus strand). Cytogenetic location: 16q24.2.
Variant type: single nucleotide variant.
Coding change: c.6500C>T on transcript NM_001367624.2 (MANE Select); coding-DNA position 6500, C replaced by T.
Protein change: p.Ala2167Val; replaces alanine 2167 with valine.
Molecular consequence: missense variant.
Genome position (GRCh38, 1-based): chr16:88,433,970, C>T. VCF-style: chr16-88433970-C-T. GRCh37 (hg19) VCF-style: chr16-88500378-C-T.
Other names: NM_001127464.1:c.6416C>T; short protein forms A2167V.
Identifiers: ClinVar variation 3232842 (VCV003232842.1), dbSNP rs1160420774, ClinGen allele CA397106066.
Genomic context (GRCh38, chr16:88,433,970, plus strand): 5'-GGGGGCAGCTGCCAGCATCTCCGTCCTGCAGGGACCCTCCCGGCCCCCAGCAGCTGCTGG[C>T]CTGTTCTCCTGCCTGGGCACCTCTGGAAGAGGCAGATGGCGTCCAAGCCACGACAGATAC-3'
Protein context (NP_001354553.1, residues 2157-2177): RDPPGPQQLL[Ala2167Val]CSPAWAPLEE

ClinVar aggregate classification (germline): Uncertain significance (1 of 4 stars; one submission).

Conditions:
Cardiovascular phenotype. Identifiers: MedGen CN230736.

Allele frequency attached by ClinVar (database versions not stated): TOPMed 0.00001.
gnomAD v4.1: 2 of 1,550,252 alleles (0.00013%); highest among the groups gnomAD compares: Non-Finnish European, 0.00017%; no homozygotes.

Submission:

Ambry Genetics
Classification: Uncertain significance for Cardiovascular phenotype. Last evaluated: 2024-02-16. Review status: criteria provided, single submitter. Criteria: Ambry Variant Classification Scheme 2023. Collection method: clinical testing. Allele origin: germline.
Comment: The p.A2139V variant (also known as c.6416C>T), located in coding exon 2 of the ZNF469 gene, results from a C to T substitution at nucleotide position 6416. The alanine at codon 2139 is replaced by valine, an amino acid with similar properties. This amino acid position is conserved. In addition, this alteration is predicted to be tolerated by in silico analysis. Based on the available evidence, the clinical significance of this alteration remains unclear.